The following is an entry in ClinVar:

ClinVar aggregate classification (germline): Uncertain significance (1 of 4 stars; one submission).

gnomAD v4.1: 15 of 1,614,154 alleles (0.00093%); highest among the groups gnomAD compares: Non-Finnish European, 0.0012%; no homozygotes.

Submission:

ARUP Laboratories, Molecular Genetics and Genomics, ARUP Laboratories
Classification: Uncertain significance. Last evaluated: 2025-04-08. Review status: criteria provided, single submitter. Criteria: ARUP Molecular Germline Variant Investigation Process 2024. Collection method: clinical testing. Allele origin: germline.
Comment: The TTN c.1027C>T; p.Pro343Ser variant (rs989951166) is rare in the general population (<0.2% allele frequency in the Genome Aggregation Database) and has not been reported in the medical literature in association with dilated cardiomyopathy (DCM) or other TTN-related disease. The clinical relevance of rare missense variants in this gene, which are identified on average once per individual sequenced in affected populations (Herman 2012), is not well understood. While the clinical significance of such variants is considered uncertain, evidence suggests that the vast majority of missense variants do not contribute to the clinical outcome of DCM (Begay 2015). Given the available evidence, the clinical significance of the p.Pro343Ser variant cannot be determined with certainty.

NM_001267550.2(TTN):c.1027C>T (p.Pro343Ser)

Gene: TTN (titin; minus strand). Cytogenetic location: 2q31.2.
Variant type: single nucleotide variant.
Coding change: c.1027C>T on transcript NM_001267550.2 (MANE Select); coding-DNA position 1027, C replaced by T.
Protein change: p.Pro343Ser; replaces proline 343 with serine.
Molecular consequence: missense variant.
Genome position (GRCh38, 1-based): chr2:178,795,140, G>A on the plus strand (C>T on the coding strand, the complement: TTN is on the minus strand). VCF-style: chr2-178795140-G-A. GRCh37 (hg19) VCF-style: chr2-179659867-G-A.
Other names: c.1027C>T, p.Pro343Ser (NM_133378.4, NM_133379.5, NM_133432.3 and 3 more transcripts); short protein forms P343S.
Identifiers: ClinVar variation 4685741 (VCV004685741.1).